The following is an entry in ClinVar:

ClinVar aggregate classification (germline): Uncertain significance. Review status: criteria provided, multiple submitters, no conflicts (2 of 4 stars). 2 submissions from 2 submitters: Uncertain significance (2). Last evaluated 2024-03-14.

Allele frequency attached by ClinVar (database versions not stated): TOPMed below 0.00001; ExAC 0.00001; gnomAD 0.00001.
gnomAD v4.1: 6 of 1,613,938 alleles (0.00037%); highest among the groups gnomAD compares: Non-Finnish European, 0.00051%; no homozygotes.

Submissions (2):

Women's Health and Genetics/Laboratory Corporation of America, LabCorp
Classification: Uncertain significance. Last evaluated: 2024-03-14. Review status: criteria provided, single submitter. Criteria: LabCorp Variant Classification Summary - May 2015. Collection method: clinical testing. Allele origin: germline.
Comment: Variant summary: JAG1 c.830A>G (p.Asn277Ser) results in a conservative amino acid change located in the 2nd EGF-like repeat domain (IPR000742) of the encoded protein sequence. Five of five in-silico tools predict a benign effect of the variant on protein function. The variant allele was found at a frequency of 8e-06 in 251414 control chromosomes (gnomAD). The available data on variant occurrences in the general population are insufficient to allow any conclusion about variant significance. To our knowledge, no occurrence of c.830A>G in individuals affected with Alagille Syndrome 1 and no experimental evidence demonstrating its impact on protein function have been reported. ClinVar contains an entry for this variant (Variation ID: 1809764). Based on the evidence outlined above, the variant was classified as uncertain significance.

Athena Diagnostics
Classification: Uncertain significance. Last evaluated: 2021-03-10. Review status: criteria provided, single submitter. Criteria: Athena Diagnostics Criteria. Collection method: clinical testing. Allele origin: unknown.
Comment: This observation is not an independent occurrence and has been identified in the same individual by RCIGM, the other laboratory participating in the GEMINI study.

NM_000214.3(JAG1):c.830A>G (p.Asn277Ser)

Gene: JAG1 (jagged canonical Notch ligand 1; minus strand). Cytogenetic location: 20p12.2.
Variant type: single nucleotide variant.
Coding change: c.830A>G on transcript NM_000214.3 (MANE Select); coding-DNA position 830, A replaced by G.
Protein change: p.Asn277Ser; replaces asparagine 277 with serine.
Molecular consequence: missense variant.
Genome position (GRCh38, 1-based): chr20:10,652,524, T>C on the plus strand (A>G on the coding strand, the complement: JAG1 is on the minus strand). VCF-style: chr20-10652524-T-C. GRCh37 (hg19) VCF-style: chr20-10633172-T-C.
Other names: short protein forms N277S.
Identifiers: ClinVar variation 1809764 (VCV001809764.3), dbSNP rs773901285, ClinGen allele CA9765039.
Genomic context (GRCh38, chr20:10,652,524, plus strand): 5'-ATACCTTTGTCACAGAGCTGGCCGCCCCAGTTGGTCTCACAGAGGCACTGCCAGGGCTCA[T>C]TACAGATGCCGTGGACGCATCCCGGGTGTGGGATGCACTTATCACAGTACAGGCCTTGCC-3'
Protein context (NP_000205.1, residues 267-287): PHPGCVHGIC[Asn277Ser]EPWQCLCETN